The following is an entry in ClinVar:

NM_003664.5(AP3B1):c.1675T>A (p.Leu559Ile)

Gene: AP3B1 (adaptor related protein complex 3 subunit beta 1; minus strand). Cytogenetic location: 5q14.1.
Variant type: single nucleotide variant.
Coding change: c.1675T>A on transcript NM_003664.5 (MANE Select); coding-DNA position 1675, T replaced by A.
Protein change: p.Leu559Ile; replaces leucine 559 with isoleucine.
Molecular consequence: missense variant.
Genome position (GRCh38, 1-based): chr5:78,129,283, A>T on the plus strand (T>A on the coding strand, the complement: AP3B1 is on the minus strand). VCF-style: chr5-78129283-A-T. GRCh37 (hg19) VCF-style: chr5-77425107-A-T.
Other names: c.1528T>A, p.Leu510Ile (NM_001271769.2); short protein forms L559I, L510I.
Identifiers: ClinVar variation 651715 (VCV000651715.8), dbSNP rs770281960, ClinGen allele CA3316986.

ClinVar aggregate classification (germline): Uncertain significance (1 of 4 stars; one submission).

Conditions:
Hermansky-Pudlak syndrome 2 (HPS2). Also called: Platelet defects and oculocutaneous albinism. Identifiers: Orphanet 183678, Orphanet 79430, MedGen C1842362, MONDO:0011997, OMIM 608233.

Allele frequency attached by ClinVar (database versions not stated): gnomAD exomes below 0.00001; ExAC 0.00001; TOPMed 0.00001.
gnomAD v4.1: 15 of 1,612,908 alleles (0.00093%); highest among the groups gnomAD compares: African/African-American, 0.0013%; no homozygotes.

Submission:

Labcorp Genetics (formerly Invitae), Labcorp
Classification: Uncertain significance for Hermansky-Pudlak syndrome 2. Last evaluated: 2018-10-04. Review status: criteria provided, single submitter. Criteria: Invitae Variant Classification Sherloc (09022015). Collection method: clinical testing. Allele origin: germline.
Comment: This variant is present in population databases (rs770281960, ExAC 0.002%). This sequence change replaces leucine with isoleucine at codon 559 of the AP3B1 protein (p.Leu559Ile). The leucine residue is highly conserved and there is a small physicochemical difference between leucine and isoleucine. This variant has not been reported in the literature in individuals with AP3B1-related disease. Algorithms developed to predict the effect of missense changes on protein structure and function (SIFT, PolyPhen-2, Align-GVGD) all suggest that this variant is likely to be tolerated, but these predictions have not been confirmed by published functional studies and their clinical significance is uncertain. In summary, the available evidence is currently insufficient to determine the role of this variant in disease. Therefore, it has been classified as a Variant of Uncertain Significance.